The following is an entry in ClinVar:

ClinVar aggregate classification (germline): Uncertain significance (1 of 4 stars; one submission).

Allele frequency attached by ClinVar (database versions not stated): gnomAD 0.00001; gnomAD exomes 0.00001; TOPMed 0.00001.
gnomAD v4.1: 10 of 1,495,808 alleles (0.00067%); highest among the groups gnomAD compares: Middle Eastern, 0.053%; no homozygotes.

Submission:

GeneDx
Classification: Uncertain significance. Last evaluated: 2022-08-19. Review status: criteria provided, single submitter. Criteria: GeneDx Variant Classification Process June 2021. Collection method: clinical testing. Allele origin: germline. Affected: yes.
Comment: Not observed at significant frequency in large population cohorts (gnomAD); In silico analysis supports that this missense variant does not alter protein structure/function; Has not been previously published as pathogenic or benign to our knowledge

NM_001378609.3(OTOGL):c.6448A>G (p.Asn2150Asp)

Gene: OTOGL (otogelin like; plus strand). Cytogenetic location: 12q21.31.
Variant type: single nucleotide variant.
Coding change: c.6448A>G on transcript NM_001378609.3 (MANE Select); coding-DNA position 6448, A replaced by G.
Protein change: p.Asn2150Asp; replaces asparagine 2150 with aspartic acid.
Molecular consequence: missense variant.
Genome position (GRCh38, 1-based): chr12:80,367,677, A>G. VCF-style: chr12-80367677-A-G. GRCh37 (hg19) VCF-style: chr12-80761457-A-G.
Other names: c.6313A>G, p.Asn2105Asp (NM_001368062.3); c.6448A>G, p.Asn2150Asp (NM_001378610.3, NM_173591.7); short protein forms N2105D, N2150D.
Identifiers: ClinVar variation 2430894 (VCV002430894.1), dbSNP rs1423029717, ClinGen allele CA385889433.
Genomic context (GRCh38, chr12:80,367,677, plus strand): 5'-ATGATAAAGTATTTGGAAGAAGACTTTTGTTATGCTATAGAGTGTCTGGAAGAAAAAGAT[A>G]ACCATACGGGCTTTCACACTCTGAATTTTACACTGGTGAATTGTTCAAAAAAATGTGATG-3'
Protein context (NP_001365538.2, residues 2140-2160): YAIECLEEKD[Asn2150Asp]HTGFHTLNFT